The following is an entry in ClinVar:

NM_000059.4(BRCA2):c.3714G>A (p.Val1238=)

Gene: BRCA2 (BRCA2 DNA repair associated; plus strand). Cytogenetic location: 13q13.1.
Variant type: single nucleotide variant.
Coding change: c.3714G>A on transcript NM_000059.4 (MANE Select); coding-DNA position 3714, G replaced by A.
Protein change: p.Val1238=; no amino-acid change (valine 1238 retained).
Molecular consequence: synonymous variant.
Genome position (GRCh38, 1-based): chr13:32,338,069, G>A. VCF-style: chr13-32338069-G-A. GRCh37 (hg19) VCF-style: chr13-32912206-G-A.
Identifiers: ClinVar variation 231591 (VCV000231591.27), dbSNP rs780000105, ClinGen allele CA6940719.

ClinVar aggregate classification (germline): Likely benign. Review status: reviewed by expert panel (3 of 4 stars). 7 submissions from 7 submitters: Likely benign (1). 6 of the submissions do not count toward it. Last evaluated 2017-06-29.

Conditions:
Hereditary cancer-predisposing syndrome. Also called: Hereditary Cancer Syndrome; Neoplastic Syndromes, Hereditary; Tumor predisposition; Hereditary neoplastic syndrome. Identifiers: Orphanet 140162, MedGen C0027672, MeSH D009386, MONDO:0015356.
Breast-ovarian cancer, familial, susceptibility to, 2 (BROVCA2). Also called: BRCA2 Hereditary Breast and Ovarian Cancer. Identifiers: Orphanet 145, MedGen C2675520, MONDO:0012933, OMIM 612555. Disease mechanism: loss of function.
Hereditary breast ovarian cancer syndrome. Also called: Hereditary breast and/or ovarian cancer syndrome; BRCA1- and BRCA2-Associated Hereditary Breast and Ovarian Cancer; Hereditary breast and ovarian cancer syndrome (HBOC); Hereditary breast and ovarian cancer; Hereditary breast and ovarian cancer syndrome; Breast and ovarian cancer. Identifiers: Orphanet 145, MedGen C0677776, MeSH D061325, MONDO:0003582. Disease mechanism: loss of function.

Allele frequency attached by ClinVar (database versions not stated): ExAC 0.00001; gnomAD exomes 0.00001 and 0.00002; TOPMed 0.00001.
gnomAD v4.1: 8 of 1,611,658 alleles (0.0005%); highest among the groups gnomAD compares: Admixed American, 0.013%; no homozygotes.

Submissions (7):

Evidence-based Network for the Interpretation of Germline Mutant Alleles (ENIGMA)
Classification: Likely benign for Breast-ovarian cancer, familial, susceptibility to, 2. Last evaluated: 2017-06-29. Review status: reviewed by expert panel. Criteria: ENIGMA BRCA1/2 Classification Criteria (2017-06-29). Collection method: curation. Allele origin: germline.
Comment: Synonymous substitution variant, with low bioinformatic likelihood to result in a splicing aberration (Splicing prior probability 0.02).

Labcorp Genetics (formerly Invitae), Labcorp
Classification: Likely benign for Hereditary breast ovarian cancer syndrome. Last evaluated: 2026-01-12. Review status: criteria provided, single submitter. Criteria: Invitae Variant Classification Sherloc (09022015). Collection method: clinical testing. Allele origin: germline. Not counted in ClinVar's aggregate classification.

All of Us Research Program, National Institutes of Health
Classification: Likely benign for Breast-ovarian cancer, familial, susceptibility to, 2. Last evaluated: 2024-02-05. Review status: criteria provided, single submitter. Criteria: ACMG Guidelines, 2015. Collection method: clinical testing. Allele origin: germline. Inheritance: Autosomal dominant inheritance. Observed: 2 variant alleles, 2 heterozygotes. Not counted in ClinVar's aggregate classification.
Comment: This study involves interpretation of variants in research participants for the purpose of population health screening. Participant phenotype was not available at the time of variant classification. Additional details can be found in publication PMID: 35346344, PMCID: PMC8962531

Quest Diagnostics Nichols Institute San Juan Capistrano
Classification: Likely benign. Last evaluated: 2023-08-03. Review status: criteria provided, single submitter. Criteria: Quest Diagnostics criteria. Collection method: clinical testing. Allele origin: unknown. Not counted in ClinVar's aggregate classification.

Color Diagnostics, LLC DBA Color Health
Classification: Likely benign for Hereditary cancer-predisposing syndrome. Last evaluated: 2019-11-21. Review status: criteria provided, single submitter. Criteria: ACMG Guidelines, 2015. Collection method: clinical testing. Allele origin: germline. Not counted in ClinVar's aggregate classification.

Women's Health and Genetics/Laboratory Corporation of America, LabCorp
Classification: Likely benign. Last evaluated: 2019-08-21. Review status: criteria provided, single submitter. Criteria: LabCorp Variant Classification Summary - May 2015. Collection method: clinical testing. Allele origin: germline. Not counted in ClinVar's aggregate classification.

Ambry Genetics
Classification: Likely benign for Hereditary cancer-predisposing syndrome. Last evaluated: 2015-05-04. Review status: criteria provided, single submitter. Criteria: Ambry Variant Classification Scheme 2023. Collection method: clinical testing. Allele origin: germline. Not counted in ClinVar's aggregate classification.